The following is an entry in ClinVar:

ClinVar aggregate classification (germline): Uncertain significance. Review status: criteria provided, multiple submitters, no conflicts (2 of 4 stars). 4 submissions from 4 submitters: Uncertain significance (3). 1 of the submissions does not count toward it. Last evaluated 2021-10-25.

Conditions:
Autosomal recessive polycystic kidney disease (ARPKD). Also called: AR polycystic kidney disease. Identifiers: Orphanet 731, Orphanet 8378, MedGen C0085548, MeSH D017044, MONDO:0009889.

Allele frequency attached by ClinVar (database versions not stated): TOPMed below 0.00001; gnomAD 0.00001.
gnomAD v4.1: 1 of 1,613,956 alleles (0.000062%); highest among the groups gnomAD compares: African/African-American, 0.0013%; no homozygotes.

Submissions (4):

Mayo Clinic Laboratories, Mayo Clinic
Classification: Uncertain significance. Last evaluated: 2021-10-25. Review status: criteria provided, single submitter. Criteria: ACMG Guidelines, 2015. Collection method: clinical testing. Allele origin: germline.

Labcorp Genetics (formerly Invitae), Labcorp
Classification: Uncertain significance for Autosomal recessive polycystic kidney disease. Last evaluated: 2021-08-31. Review status: criteria provided, single submitter. Criteria: Invitae Variant Classification Sherloc (09022015). Collection method: clinical testing. Allele origin: germline.
Comment: This sequence change replaces arginine with glycine at codon 1505 of the PKHD1 protein (p.Arg1505Gly). The arginine residue is moderately conserved and there is a moderate physicochemical difference between arginine and glycine. This variant is not present in population databases (ExAC no frequency). This variant has not been reported in the literature in individuals affected with PKHD1-related conditions. ClinVar contains an entry for this variant (Variation ID: 596768). Algorithms developed to predict the effect of missense changes on protein structure and function output the following: SIFT: "Tolerated"; PolyPhen-2: "Benign"; Align-GVGD: "Class C0". The glycine amino acid residue is found in multiple mammalian species, which suggests that this missense change does not adversely affect protein function. In summary, the available evidence is currently insufficient to determine the role of this variant in disease. Therefore, it has been classified as a Variant of Uncertain Significance.

Eurofins Ntd Llc (ga)
Classification: Uncertain significance. Last evaluated: 2018-04-03. Review status: criteria provided, single submitter. Criteria: EGL ClinVar v180209 classification definitions. Collection method: clinical testing. Allele origin: germline. Observed: 1 variant allele, 1 heterozygote.

Natera, Inc.
Classification: Uncertain significance for Autosomal recessive polycystic kidney disease. Last evaluated: 2018-07-04. Review status: no assertion criteria provided. Collection method: clinical testing. Allele origin: germline. Not counted in ClinVar's aggregate classification.

NM_138694.4(PKHD1):c.4513A>G (p.Arg1505Gly)

Gene: PKHD1 (PKHD1 ciliary IPT domain containing fibrocystin/polyductin; minus strand). Cytogenetic location: 6p12.2.
Variant type: single nucleotide variant.
Coding change: c.4513A>G on transcript NM_138694.4 (MANE Select); coding-DNA position 4513, A replaced by G.
Protein change: p.Arg1505Gly; replaces arginine 1505 with glycine.
Molecular consequence: missense variant.
Genome position (GRCh38, 1-based): chr6:52,025,297, T>C on the plus strand (A>G on the coding strand, the complement: PKHD1 is on the minus strand). VCF-style: chr6-52025297-T-C. GRCh37 (hg19) VCF-style: chr6-51890095-T-C.
Other names: p.Arg1505Gly; c.4513A>G, p.Arg1505Gly (NM_170724.3); short protein forms R1505G.
Identifiers: ClinVar variation 596768 (VCV000596768.17), dbSNP rs1271610315, ClinGen allele CA364432710.